The following is an entry in ClinVar:

ClinVar aggregate classification (germline): Uncertain significance (1 of 4 stars; one submission).

Allele frequency attached by ClinVar (database versions not stated): gnomAD 0.00001.

Submission:

Labcorp Genetics (formerly Invitae), Labcorp
Classification: Uncertain significance. Last evaluated: 2022-01-16. Review status: criteria provided, single submitter. Criteria: Invitae Variant Classification Sherloc (09022015). Collection method: clinical testing. Allele origin: germline.
Comment: Advanced modeling of protein sequence and biophysical properties (such as structural, functional, and spatial information, amino acid conservation, physicochemical variation, residue mobility, and thermodynamic stability) performed at Invitae indicates that this missense variant is expected to disrupt COL9A3 protein function. This variant has not been reported in the literature in individuals affected with COL9A3-related conditions. This variant is not present in population databases (gnomAD no frequency). This sequence change replaces glycine, which is neutral and non-polar, with arginine, which is basic and polar, at codon 244 of the COL9A3 protein (p.Gly244Arg). In summary, the available evidence is currently insufficient to determine the role of this variant in disease. Therefore, it has been classified as a Variant of Uncertain Significance. Algorithms developed to predict the effect of sequence changes on RNA splicing suggest that this variant may create or strengthen a splice site.

NM_001853.4(COL9A3):c.730G>A (p.Gly244Arg)

Gene: COL9A3 (collagen type IX alpha 3 chain; plus strand). Cytogenetic location: 20q13.33.
Variant type: single nucleotide variant.
Coding change: c.730G>A on transcript NM_001853.4 (MANE Select); coding-DNA position 730, G replaced by A.
Protein change: p.Gly244Arg; replaces glycine 244 with arginine.
Molecular consequence: missense variant.
Genome position (GRCh38, 1-based): chr20:62,826,249, G>A. VCF-style: chr20-62826249-G-A. GRCh37 (hg19) VCF-style: chr20-61457601-G-A.
Other names: short protein forms G244R.
Identifiers: ClinVar variation 1945321 (VCV001945321.5), dbSNP rs1313128457, ClinGen allele CA409592049.
Genomic context (GRCh38, chr20:62,826,249, plus strand): 5'-GCCTCTCTCTCGCAGGGCCCCCGGGGATTACGAGGACTGCCAGGGCCACTCGGGCCCCCT[G>A]GGGACCGGGTAAGTCCTGCAGCCCCTAGTGGGGGCCGGCCAGGTGGCTGGGGGCCTGGTT-3'
Protein context (NP_001844.3, residues 234-254): RGLPGPLGPP[Gly244Arg]DRGPIGFRGP